The following is an entry in ClinVar:

NM_001166108.2(PALLD):c.2017A>G (p.Ile673Val)

Gene: PALLD (palladin, cytoskeletal associated protein; plus strand). Cytogenetic location: 4q32.3.
Variant type: single nucleotide variant.
Coding change: c.2017A>G on transcript NM_001166108.2 (MANE Select); coding-DNA position 2017, A replaced by G.
Protein change: p.Ile673Val; replaces isoleucine 673 with valine.
Molecular consequence: missense variant. On other transcripts: 5 prime UTR variant (4).
Genome position (GRCh38, 1-based): chr4:168,890,974, A>G. VCF-style: chr4-168890974-A-G. GRCh37 (hg19) VCF-style: chr4-169812125-A-G.
Other names: c.871A>G, p.Ile291Val (NM_001166109.2); c.556A>G, p.Ile186Val (NM_001166110.2); c.-105A>G (NM_001367567.1, NM_001367568.1, NM_001367569.1 and 1 more transcripts); c.2017A>G, p.Ile673Val (NM_016081.4); short protein forms I673V, I291V, I186V.
Identifiers: ClinVar variation 5026261 (VCV005026261.1).

ClinVar aggregate classification (germline): Uncertain significance (1 of 4 stars; one submission).

gnomAD v4.1: 1 of 1,614,102 alleles (0.000062%); no homozygotes.

Submission:

Ambry Genetics
Classification: Uncertain significance. Last evaluated: 2026-09-09. Review status: criteria provided, single submitter. Criteria: Ambry Variant Classification Scheme 2023. Collection method: clinical testing. Allele origin: germline.
Comment: The p.I186V variant (also known as c.556A>G), located in coding exon 2 of the PALLD gene, results from an A to G substitution at nucleotide position 556. The isoleucine at codon 186 is replaced by valine, an amino acid with highly similar properties. This amino acid position is conserved. In addition, the in silico prediction for this alteration is inconclusive. Based on the available evidence, the clinical significance of this variant remains unclear.